The following is an entry in ClinVar:

ClinVar aggregate classification (germline): Uncertain significance (1 of 4 stars; one submission).

Conditions:
Asphyxiating thoracic dystrophy 5 (SRTD5). Also called: SHORT-RIB THORACIC DYSPLASIA 5 WITHOUT POLYDACTYLY; SHORT-RIB THORACIC DYSPLASIA 5 WITH OR WITHOUT POLYDACTYLY. Identifiers: Orphanet 474, MedGen C3280598, MONDO:0013717, OMIM 614376.
Senior-Loken syndrome 8 (SLSN8). Identifiers: Orphanet 3156, MedGen C4225376, MONDO:0014579, OMIM 616307.

Allele frequency attached by ClinVar (database versions not stated): gnomAD exomes below 0.00001.
gnomAD v4.1: 2 of 1,614,052 alleles (0.00012%); highest among the groups gnomAD compares: Non-Finnish European, 0.00017%; no homozygotes.

Submission:

Labcorp Genetics (formerly Invitae), Labcorp
Classification: Uncertain significance for Senior-Loken syndrome 8; Asphyxiating thoracic dystrophy 5. Last evaluated: 2022-05-11. Review status: criteria provided, single submitter. Criteria: Invitae Variant Classification Sherloc (09022015). Collection method: clinical testing. Allele origin: germline.
Comment: This sequence change replaces leucine, which is neutral and non-polar, with phenylalanine, which is neutral and non-polar, at codon 1217 of the WDR19 protein (p.Leu1217Phe). This variant is not present in population databases (gnomAD no frequency). This variant has not been reported in the literature in individuals affected with WDR19-related conditions. Algorithms developed to predict the effect of missense changes on protein structure and function are either unavailable or do not agree on the potential impact of this missense change (SIFT: "Deleterious"; PolyPhen-2: "Probably Damaging"; Align-GVGD: "Class C15"). In summary, the available evidence is currently insufficient to determine the role of this variant in disease. Therefore, it has been classified as a Variant of Uncertain Significance.

NM_025132.4(WDR19):c.3651G>T (p.Leu1217Phe)

Gene: WDR19 (WD repeat domain 19; plus strand). Cytogenetic location: 4p14.
Variant type: single nucleotide variant.
Coding change: c.3651G>T on transcript NM_025132.4 (MANE Select); coding-DNA position 3651, G replaced by T.
Protein change: p.Leu1217Phe; replaces leucine 1217 with phenylalanine.
Molecular consequence: missense variant.
Genome position (GRCh38, 1-based): chr4:39,274,893, G>T. VCF-style: chr4-39274893-G-T. GRCh37 (hg19) VCF-style: chr4-39276513-G-T.
Other names: c.3171G>T, p.Leu1057Phe (NM_001317924.2); short protein forms L1217F, L1057F.
Identifiers: ClinVar variation 1993177 (VCV001993177.1), dbSNP rs2475408827, ClinGen allele CA356650110.
Genomic context (GRCh38, chr4:39,274,893, plus strand): 5'-TGTGATTGAGTGTCACAGGGCAGGCCTGAAGAACTCTGCTTTCAGCTTCGCAGCTATGTT[G>T]ATGAGGCCTGAATACCGCAGCAAAATAGATGCCAAATACAAAAAGAAGATCGAGGGAATG-3'
Protein context (NP_079408.3, residues 1207-1227): KNSAFSFAAM[Leu1217Phe]MRPEYRSKID